The following is an entry in ClinVar:

NM_024596.5(MCPH1):c.2452+70G>T

Genes: MCPH1 (microcephalin 1; plus strand), MCPH1-AS1 (MCPH1 antisense RNA 1; minus strand). Cytogenetic location: 8p23.1.
Variant type: single nucleotide variant.
Coding change: c.2452+70G>T on transcript NM_024596.5 (MANE Select); 70 bases into the intron after coding-DNA position 2452, G replaced by T.
Molecular consequence: intron variant.
Genome position (GRCh38, 1-based): chr8:6,621,761, G>T. VCF-style: chr8-6621761-G-T. GRCh37 (hg19) VCF-style: chr8-6479282-G-T.
Other names: c.2452+70G>T (NM_001322042.2, NM_001363979.1); c.2173+70G>T (NM_001363980.2).
Identifiers: ClinVar variation 683152 (VCV000683152.2), dbSNP rs11137041, ClinGen allele CA12750632.

ClinVar aggregate classification (germline): Benign. Review status: criteria provided, multiple submitters, no conflicts (2 of 4 stars). 2 submissions from 2 submitters: Benign (2). Last evaluated 2018-06-16.

Allele frequency attached by ClinVar (database versions not stated): 1000 Genomes Project 0.34525; gnomAD 0.33699; TOPMed 0.32687; 1000 Genomes Project 30x 0.33776.
gnomAD v4.1: 577,020 of 1,604,864 alleles (36%); highest among the groups gnomAD compares: East Asian, 45%; 104,833 homozygotes.

Submissions (2):

GeneDx
Classification: Benign. Last evaluated: 2018-06-16. Review status: criteria provided, single submitter. Criteria: GeneDx Variant Classification (06012015). Collection method: clinical testing. Allele origin: germline. Affected: yes.
Comment: This variant is considered likely benign or benign based on one or more of the following criteria: it is a conservative change, it occurs at a poorly conserved position in the protein, it is predicted to be benign by multiple in silico algorithms, and/or has population frequency not consistent with disease.

Breakthrough Genomics
Classification: Benign. Review status: criteria provided, single submitter. Criteria: ACMG Guidelines, 2015. Collection method: not provided. Allele origin: germline. Inheritance: Autosomal recessive inheritance. Affected: yes.